The following is an entry in ClinVar:

ClinVar aggregate classification (germline): Uncertain significance (1 of 4 stars; one submission).

Conditions:
Cardiovascular phenotype. Identifiers: MedGen CN230736.

Submission:

Ambry Genetics
Classification: Uncertain significance for Cardiovascular phenotype. Last evaluated: 2026-06-09. Review status: criteria provided, single submitter. Criteria: Ambry Variant Classification Scheme 2023. Collection method: clinical testing. Allele origin: germline.
Comment: The p.P649T variant (also known as c.1945C>A), located in coding exon 15 of the RASA1 gene, results from a C to A substitution at nucleotide position 1945. The proline at codon 649 is replaced by threonine, an amino acid with highly similar properties. This amino acid position is conserved. In addition, this alteration is predicted to be tolerated by in silico analysis. Based on the available evidence, the clinical significance of this variant remains unclear.

NM_002890.3(RASA1):c.1945C>A (p.Pro649Thr)

Genes: CCNH (cyclin H; minus strand), RASA1 (RAS p21 protein activator 1; plus strand). Cytogenetic location: 5q14.3.
Variant type: single nucleotide variant.
Coding change: c.1945C>A on transcript NM_002890.3 (MANE Select); coding-DNA position 1945, C replaced by A.
Protein change: p.Pro649Thr; replaces proline 649 with threonine.
Molecular consequence: missense variant. On other transcripts: intron variant (1).
Genome position (GRCh38, 1-based): chr5:87,374,850, C>A. VCF-style: chr5-87374850-C-A. GRCh37 (hg19) VCF-style: chr5-86670667-C-A.
Other names: c.1414C>A, p.Pro472Thr (NM_022650.3); c.933+20194G>T (NM_001364075.2); short protein forms P472T, P649T.
Identifiers: ClinVar variation 4862980 (VCV004862980.1).
Genomic context (GRCh38, chr5:87,374,850, plus strand): 5'-AGTTTGATGCCAAAACATTTTGTTAATTCTTTTTCTCCTTGCTCCTTTAGTGATCTTCCT[C>A]CTGACATCAATAGATTTGAAATAACTCTTAGTAATAAAACAAAGAAAAGCAAAGATCCTG-3'
Protein context (NP_002881.1, residues 639-659): SEEFVFDDLP[Pro649Thr]DINRFEITLS